The following is an entry in ClinVar:

NM_001139.3(ALOX12B):c.397A>G (p.Arg133Gly)

Gene: ALOX12B (arachidonate 12-lipoxygenase, 12R type; minus strand). Cytogenetic location: 17p13.1.
Variant type: single nucleotide variant.
Coding change: c.397A>G on transcript NM_001139.3 (MANE Select); coding-DNA position 397, A replaced by G.
Protein change: p.Arg133Gly; replaces arginine 133 with glycine.
Molecular consequence: missense variant.
Genome position (GRCh38, 1-based): chr17:8,081,143, T>C on the plus strand (A>G on the coding strand, the complement: ALOX12B is on the minus strand). VCF-style: chr17-8081143-T-C. GRCh37 (hg19) VCF-style: chr17-7984461-T-C.
Other names: c.397A>G, p.Arg133Gly (LRG_1264t1); short protein forms R133G.
Identifiers: ClinVar variation 427150 (VCV000427150.2), dbSNP rs1085307988, ClinGen allele CA397996365.

ClinVar aggregate classification (germline): Likely pathogenic (1 of 4 stars; one submission).

Allele frequency attached by ClinVar (database versions not stated): gnomAD exomes below 0.00001; TOPMed below 0.00001; gnomAD 0.00001.
gnomAD v4.1: 4 of 1,613,786 alleles (0.00025%); highest among the groups gnomAD compares: Admixed American, 0.0017%; no homozygotes.

Submission:

GeneDx
Classification: Likely pathogenic. Last evaluated: 2015-05-18. Review status: criteria provided, single submitter. Criteria: GeneDx Variant Classification (06012015). Collection method: clinical testing. Allele origin: germline. Affected: yes.
Comment: The R133G variant in the ALOX12B gene has not been reported previously as a disease-causing variant nor as a benign polymorphism, to our knowledge. The R133G variant was not observed in approximately 6,500 individuals of European and African American ancestry in the NHLBI Exome Sequencing Project, indicating it is not a common benign variant in these populations. R133G is a non-conservative amino acid substitution, which is likely to impact secondary protein structure as these residues differ in polarity, charge, size and/or other properties. This substitution occurs at a position that is conserved across species. In silico analysis is inconsistent in its predictions as to whether or not the variant is damaging to the protein structure/function. A missense variant in a nearby residue (I137N) has been reported in the Human Gene Mutation Database in association with self-healing colllodion membrane (Stenson et al., 2014), supporting the functional importance of this region of the protein. In summary, the R133G variant is a strong candidate for a disease-causing variant